The following is an entry in ClinVar:

ClinVar aggregate classification (germline): Likely benign (1 of 4 stars; one submission).

gnomAD v4.1: 1,593 of 1,614,086 alleles (0.099%); highest among the groups gnomAD compares: Middle Eastern, 0.099%; 18 homozygotes.

Submission:

CeGaT Center for Human Genetics Tuebingen
Classification: Likely benign. Last evaluated: 2026-01-01. Review status: criteria provided, single submitter. Criteria: CeGaT Center For Human Genetics Tuebingen Variant Classification Criteria Version 2. Collection method: clinical testing. Allele origin: germline. Affected: yes. Observed: 1 variant allele.
Comment: SPEF2: BP4, BS2

NM_024867.4(SPEF2):c.4607G>A (p.Arg1536Gln)

Gene: SPEF2 (sperm flagellar and cilia associated 2; plus strand). Cytogenetic location: 5p13.2.
Variant type: single nucleotide variant.
Coding change: c.4607G>A on transcript NM_024867.4 (MANE Select); coding-DNA position 4607, G replaced by A.
Protein change: p.Arg1536Gln; replaces arginine 1536 with glutamine.
Molecular consequence: missense variant.
Genome position (GRCh38, 1-based): chr5:35,793,211, G>A. VCF-style: chr5-35793211-G-A. GRCh37 (hg19) VCF-style: chr5-35793313-G-A.
Other names: short protein forms R1536Q.
Identifiers: ClinVar variation 4821000 (VCV004821000.4).